The following is an entry in ClinVar:

ClinVar aggregate classification (germline): Uncertain significance. Review status: criteria provided, multiple submitters, no conflicts (2 of 4 stars). 3 submissions from 3 submitters: Uncertain significance (2). 1 of the submissions does not count toward it. Last evaluated 2025-01-06.

Conditions:
Intellectual developmental disorder, X-linked 1. Also called: MENTAL RETARDATION, X-LINKED 18; MENTAL RETARDATION, X-LINKED 78; Atkin Flaitz Patil Smith syndrome; Intellectual disability, X-linked 1. Identifiers: Orphanet 777, MedGen C2931498, MONDO:0010656, OMIM 309530.

Allele frequency attached by ClinVar (database versions not stated): gnomAD exomes 0.00001 and 0.00002; TOPMed 0.00001; gnomAD 0.00002.

Submissions (3):

Labcorp Genetics (formerly Invitae), Labcorp
Classification: Uncertain significance for Intellectual developmental disorder, X-linked 1. Last evaluated: 2025-01-06. Review status: criteria provided, single submitter. Criteria: Invitae Variant Classification Sherloc (09022015). Collection method: clinical testing. Allele origin: germline.
Comment: This sequence change replaces alanine, which is neutral and non-polar, with threonine, which is neutral and polar, at codon 1139 of the IQSEC2 protein (p.Ala1139Thr). The frequency data for this variant in the population databases is considered unreliable, as metrics indicate poor data quality at this position in the gnomAD database. This missense change has been observed in individual(s) with IQSEC2-related conditions (PMID: 30206421). ClinVar contains an entry for this variant (Variation ID: 1064264). Invitae Evidence Modeling of protein sequence and biophysical properties (such as structural, functional, and spatial information, amino acid conservation, physicochemical variation, residue mobility, and thermodynamic stability) indicates that this missense variant is not expected to disrupt IQSEC2 protein function with a negative predictive value of 95%. In summary, the available evidence is currently insufficient to determine the role of this variant in disease. Therefore, it has been classified as a Variant of Uncertain Significance.

Blueprint Genetics
Classification: Uncertain significance. Last evaluated: 2021-04-15. Review status: criteria provided, single submitter. Criteria: ACMG Guidelines, 2015. Collection method: clinical testing. Allele origin: germline.

Hong-Tao Li Lab, Institute of Brain Science and Brain-inspired Research, Shandong First Medical University & Shandong Academy of Medical Sciences China
Classification: Uncertain significance for Intellectual developmental disorder, X-linked 1. Review status: no assertion criteria provided. Collection method: research. Allele origin: germline. Inheritance: X-linked dominant inheritance. Affected: yes. Observed: 1 variant allele, 1 heterozygote. Not counted in ClinVar's aggregate classification.
Comment: Observed in affected individuals from a Pakistani neurodevelopmental-disorder research cohort of 263 individuals. Classification assigned using the ACMG/AMP framework. Population-frequency evidence: gnomAD AF 5.758e-06.

Literature cited by the submitters: PubMed 30206421 (cited by Labcorp Genetics (formerly Invitae), Labcorp).

NM_001111125.3(IQSEC2):c.3415G>A (p.Ala1139Thr)

Gene: IQSEC2 (IQ motif and Sec7 domain ArfGEF 2; minus strand). Cytogenetic location: Xp11.22.
Variant type: single nucleotide variant.
Coding change: c.3415G>A on transcript NM_001111125.3 (MANE Select); coding-DNA position 3415, G replaced by A.
Protein change: p.Ala1139Thr; replaces alanine 1139 with threonine.
Molecular consequence: missense variant.
Genome position (GRCh38, 1-based): chrX:53,236,358, C>T on the plus strand (G>A on the coding strand, the complement: IQSEC2 is on the minus strand). VCF-style: chrX-53236358-C-T. GRCh37 (hg19) VCF-style: chrX-53265540-C-T.
Other names: c.2800G>A, p.Ala934Thr (NM_015075.2); short protein forms A1139T, A934T.
Identifiers: ClinVar variation 1064264 (VCV001064264.11), dbSNP rs1426916903, ClinGen allele CA413144185.